The following is an entry in ClinVar:

NM_001024630.4(RUNX2):c.527A>T (p.Lys176Ile)

Gene: RUNX2 (RUNX family transcription factor 2; plus strand). Cytogenetic location: 6p21.1.
Variant type: single nucleotide variant.
Coding change: c.527A>T on transcript NM_001024630.4 (MANE Select); coding-DNA position 527, A replaced by T.
Protein change: p.Lys176Ile; replaces lysine 176 with isoleucine.
Molecular consequence: missense variant.
Genome position (GRCh38, 1-based): chr6:45,431,966, A>T. VCF-style: chr6-45431966-A-T. GRCh37 (hg19) VCF-style: chr6-45399703-A-T.
Other names: c.527A>T, p.Lys176Ile (NM_001015051.4); c.485A>T, p.Lys162Ile (NM_001278478.2, NM_001369405.1); short protein forms K162I, K176I.
Identifiers: ClinVar variation 3776681 (VCV003776681.1).
Genomic context (GRCh38, chr6:45,431,966, plus strand): 5'-TCATGGCGGGTAACGATGAAAATTATTCTGCTGAGCTCCGGAATGCCTCTGCTGTTATGA[A>T]AAACCAAGTAGCAAGGTTCAACGATCTGAGATTTGTGGGCCGGAGTGGACGAGGTAGGTC-3'
Protein context (NP_001019801.3, residues 166-186): AELRNASAVM[Lys176Ile]NQVARFNDLR

ClinVar aggregate classification (germline): Uncertain significance (1 of 4 stars; one submission).

Submission:

GeneDx
Classification: Uncertain significance. Last evaluated: 2024-10-03. Review status: criteria provided, single submitter. Criteria: GeneDx Variant Classification Process June 2021. Collection method: clinical testing. Allele origin: germline. Affected: yes.
Comment: Not observed at significant frequency in large population cohorts (gnomAD); In silico analysis supports that this missense variant has a deleterious effect on protein structure/function; Has not been previously published as pathogenic or benign to our knowledge